The following is an entry in ClinVar:

ClinVar aggregate classification (germline): Uncertain significance. Review status: criteria provided, multiple submitters, no conflicts (2 of 4 stars). 2 submissions from 2 submitters: Uncertain significance (2). Last evaluated 2023-06-29.

Conditions:
Combined immunodeficiency due to DOCK8 deficiency (HIES2). Also called: HIES autosomal recessive; Hyper-IgE recurrent infection syndrome, autosomal recessive; DOCK8 Deficiency; HYPER-IgE RECURRENT INFECTION SYNDROME 2, AUTOSOMAL RECESSIVE; HYPER-IgE SYNDROME 2, AUTOSOMAL RECESSIVE, WITH RECURRENT INFECTIONS. Identifiers: Orphanet 217390, MedGen C4722305, MONDO:0009478, OMIM 243700.

Allele frequency attached by ClinVar (database versions not stated): ExAC 0.00004; gnomAD exomes 0.00004; TOPMed 0.00006; gnomAD 0.00007; ESP Exome Variant Server 0.00015.
gnomAD v4.1: 43 of 1,614,028 alleles (0.0027%); highest among the groups gnomAD compares: South Asian, 0.021%; no homozygotes.

Submissions (2):

Blueprint Genetics
Classification: Uncertain significance. Last evaluated: 2023-06-29. Review status: criteria provided, single submitter. Criteria: ACMG Guidelines, 2015. Collection method: clinical testing. Allele origin: germline.

Labcorp Genetics (formerly Invitae), Labcorp
Classification: Uncertain significance for Combined immunodeficiency due to DOCK8 deficiency. Last evaluated: 2021-08-25. Review status: criteria provided, single submitter. Criteria: Invitae Variant Classification Sherloc (09022015). Collection method: clinical testing. Allele origin: germline.
Comment: This sequence change replaces proline with leucine at codon 540 of the DOCK8 protein (p.Pro540Leu). The proline residue is highly conserved and there is a moderate physicochemical difference between proline and leucine. This variant is present in population databases (rs377334031, ExAC 0.02%). This variant has not been reported in the literature in individuals affected with DOCK8-related conditions. Algorithms developed to predict the effect of missense changes on protein structure and function output the following: SIFT: "Tolerated"; PolyPhen-2: "Benign"; Align-GVGD: "Class C0". The leucine amino acid residue is found in multiple mammalian species, which suggests that this missense change does not adversely affect protein function. In summary, the available evidence is currently insufficient to determine the role of this variant in disease. Therefore, it has been classified as a Variant of Uncertain Significance.

NM_203447.4(DOCK8):c.1619C>T (p.Pro540Leu)

Gene: DOCK8 (dedicator of cytokinesis 8; plus strand). Cytogenetic location: 9p24.3.
Variant type: single nucleotide variant.
Coding change: c.1619C>T on transcript NM_203447.4 (MANE Select); coding-DNA position 1619, C replaced by T.
Protein change: p.Pro540Leu; replaces proline 540 with leucine.
Molecular consequence: missense variant.
Genome position (GRCh38, 1-based): chr9:340,261, C>T. VCF-style: chr9-340261-C-T. GRCh37 (hg19) VCF-style: chr9-340261-C-T.
Other names: c.1415C>T, p.Pro472Leu (NM_001190458.2, NM_001193536.2); short protein forms P540L, P472L.
Identifiers: ClinVar variation 536600 (VCV000536600.9), dbSNP rs377334031, ClinGen allele CA4957806.